The following is an entry in ClinVar:

NM_000875.5(IGF1R):c.*6069G>A

Gene: IGF1R (insulin like growth factor 1 receptor; plus strand). Cytogenetic location: 15q26.3.
Variant type: single nucleotide variant.
Coding change: c.*6069G>A on transcript NM_000875.5 (MANE Select); 6069 bases downstream of the stop codon, G replaced by A.
Molecular consequence: 3 prime UTR variant.
Genome position (GRCh38, 1-based): chr15:98,963,511, G>A. VCF-style: chr15-98963511-G-A. GRCh37 (hg19) VCF-style: chr15-99506740-G-A.
Other names: c.*6069G>A (NM_001291858.2).
Identifiers: ClinVar variation 886285 (VCV000886285.5), dbSNP rs72754807, ClinGen allele CA15844629.

ClinVar aggregate classification (germline): Benign. Review status: criteria provided, multiple submitters, no conflicts (2 of 4 stars). 2 submissions from 2 submitters: Benign (2). Last evaluated 2018-01-13.

Conditions:
Growth delay due to insulin-like growth factor I resistance. Also called: Somatomedin end-organ insensitivity to; Somatomedin-c resistance to; IGF-1 resistance; IGF-I RESISTANCE; Insulin-Like Growth Factor I Resistance. Identifiers: Orphanet 73273, MedGen C1849157, MONDO:0010038, OMIM 270450.

Allele frequency attached by ClinVar (database versions not stated): 1000 Genomes Project 30x 0.02202; 1000 Genomes Project 0.02316; TOPMed 0.02895; gnomAD 0.03006 and 0.03088; gnomAD exomes 0.03059.
gnomAD v4.1: 7,023 of 233,284 alleles (3%); highest among the groups gnomAD compares: Non-Finnish European, 3.4%; 108 homozygotes.

Submissions (2):

Illumina Laboratory Services, Illumina
Classification: Benign for Growth delay due to insulin-like growth factor I resistance. Last evaluated: 2018-01-13. Review status: criteria provided, single submitter. Criteria: ICSL Variant Classification Criteria 13 December 2019. Collection method: clinical testing. Allele origin: germline.
Comment: This variant was observed in the ICSL laboratory as part of a predisposition screen in an ostensibly healthy population. It had not been previously curated by ICSL or reported in the Human Gene Mutation Database (HGMD: prior to June 1st, 2018), and was therefore a candidate for classification through an automated scoring system. Utilizing variant allele frequency, disease prevalence and penetrance estimates, and inheritance mode, an automated score was calculated to assess if this variant is too frequent to cause the disease. Based on the score and internal cut-off values, a variant classified as benign is not then subjected to further curation. The score for this variant resulted in a classification of benign for this disease.

Breakthrough Genomics
Classification: Benign. Review status: criteria provided, single submitter. Criteria: ACMG Guidelines, 2015. Collection method: not provided. Allele origin: germline. Inheritance: Autosomal dominant inheritance. Affected: yes.